The following is an entry in ClinVar:

NM_001197104.2(KMT2A):c.7837G>A (p.Gly2613Ser)

Gene: KMT2A (lysine methyltransferase 2A; plus strand). Cytogenetic location: 11q23.3.
Variant type: single nucleotide variant.
Coding change: c.7837G>A on transcript NM_001197104.2 (MANE Select); coding-DNA position 7837, G replaced by A.
Protein change: p.Gly2613Ser; replaces glycine 2613 with serine.
Molecular consequence: missense variant.
Genome position (GRCh38, 1-based): chr11:118,503,729, G>A. VCF-style: chr11-118503729-G-A. GRCh37 (hg19) VCF-style: chr11-118374444-G-A.
Other names: c.7927G>A, p.Gly2643Ser (NM_001412597.1); c.7828G>A, p.Gly2610Ser (NM_005933.4); short protein forms G2610S, G2643S, G2613S.
Identifiers: ClinVar variation 3007406 (VCV003007406.3), dbSNP rs2497003507, ClinGen allele CA382807433.

ClinVar aggregate classification (germline): Uncertain significance (1 of 4 stars; one submission).

Submission:

Labcorp Genetics (formerly Invitae), Labcorp
Classification: Uncertain significance. Last evaluated: 2024-01-12. Review status: criteria provided, single submitter. Criteria: Invitae Variant Classification Sherloc (09022015). Collection method: clinical testing. Allele origin: germline.
Comment: This sequence change replaces glycine, which is neutral and non-polar, with serine, which is neutral and polar, at codon 2613 of the KMT2A protein (p.Gly2613Ser). This variant is not present in population databases (gnomAD no frequency). This variant has not been reported in the literature in individuals affected with KMT2A-related conditions. Advanced modeling of protein sequence and biophysical properties (such as structural, functional, and spatial information, amino acid conservation, physicochemical variation, residue mobility, and thermodynamic stability) performed at Invitae indicates that this missense variant is not expected to disrupt KMT2A protein function with a negative predictive value of 95%. In summary, the available evidence is currently insufficient to determine the role of this variant in disease. Therefore, it has been classified as a Variant of Uncertain Significance.